The following is an entry in ClinVar:

ClinVar aggregate classification (germline): Uncertain significance (1 of 4 stars; one submission).

Conditions:
Brody myopathy. Also called: BRODY DISEASE. Identifiers: Orphanet 53347, MedGen C1832918, MONDO:0010977, OMIM 601003.

Allele frequency attached by ClinVar (database versions not stated): gnomAD exomes below 0.00001; TOPMed below 0.00001.
gnomAD v4.1: 1 of 1,613,848 alleles (0.000062%); highest among the groups gnomAD compares: South Asian, 0.0011%; no homozygotes.

Submission:

Labcorp Genetics (formerly Invitae), Labcorp
Classification: Uncertain significance for Brody myopathy. Last evaluated: 2022-06-20. Review status: criteria provided, single submitter. Criteria: Invitae Variant Classification Sherloc (09022015). Collection method: clinical testing. Allele origin: germline.
Comment: This sequence change replaces arginine, which is basic and polar, with tryptophan, which is neutral and slightly polar, at codon 924 of the ATP2A1 protein (p.Arg924Trp). This variant is not present in population databases (gnomAD no frequency). This variant has not been reported in the literature in individuals affected with ATP2A1-related conditions. Algorithms developed to predict the effect of missense changes on protein structure and function are either unavailable or do not agree on the potential impact of this missense change (SIFT: "Deleterious"; PolyPhen-2: "Probably Damaging"; Align-GVGD: "Class C0"). In summary, the available evidence is currently insufficient to determine the role of this variant in disease. Therefore, it has been classified as a Variant of Uncertain Significance.

NM_004320.6(ATP2A1):c.2770C>T (p.Arg924Trp)

Gene: ATP2A1 (ATPase sarcoplasmic/endoplasmic reticulum Ca2+ transporting 1; plus strand). Cytogenetic location: 16p11.2.
Variant type: single nucleotide variant.
Coding change: c.2770C>T on transcript NM_004320.6 (MANE Select); coding-DNA position 2770, C replaced by T.
Protein change: p.Arg924Trp; replaces arginine 924 with tryptophan.
Molecular consequence: missense variant.
Genome position (GRCh38, 1-based): chr16:28,903,055, C>T. VCF-style: chr16-28903055-C-T. GRCh37 (hg19) VCF-style: chr16-28914376-C-T.
Other names: c.2395C>T, p.Arg799Trp (NM_001286075.2); c.2770C>T, p.Arg924Trp (NM_173201.5); short protein forms R799W, R924W.
Identifiers: ClinVar variation 1502332 (VCV001502332.5), dbSNP rs1318387122, ClinGen allele CA395415451.